The following is an entry in ClinVar:

NM_000179.3(MSH6):c.3151G>A (p.Val1051Ile)

Gene: MSH6 (mutS homolog 6; plus strand). Cytogenetic location: 2p16.3.
Variant type: single nucleotide variant.
Coding change: c.3151G>A on transcript NM_000179.3 (MANE Select); coding-DNA position 3151, G replaced by A.
Protein change: p.Val1051Ile; replaces valine 1051 with isoleucine.
Molecular consequence: missense variant.
Genome position (GRCh38, 1-based): chr2:47,801,134, G>A. VCF-style: chr2-47801134-G-A. GRCh37 (hg19) VCF-style: chr2-48028273-G-A.
Other names: p.V1051I:GTA>ATA; c.2761G>A, p.Val921Ile (NM_001281492.2); c.2245G>A, p.Val749Ile (NM_001281493.2, NM_001281494.2); short protein forms V1051I, V749I, V921I.
Identifiers: ClinVar variation 135839 (VCV000135839.39), dbSNP rs576269342, ClinGen allele CA011639.
Genomic context (GRCh38, chr2:47,801,134, plus strand): 5'-GACTGCATGCGGCGACTGTTCTATAACTTTGATAAAAATTACAAGGACTGGCAGTCTGCT[G>A]TAGAGTGTATCGCAGTGTTGGGTAAGACTTTGAACAAGCTTGTTCTCAGGCTTTGATAAG-3'
Protein context (NP_000170.1, residues 1041-1061): DKNYKDWQSA[Val1051Ile]ECIAVLDVLL

ClinVar aggregate classification (germline): Conflicting classifications of pathogenicity. Review status: criteria provided, conflicting classifications (1 of 4 stars). 17 submissions from 17 submitters: Uncertain significance (1); Benign (8); Likely benign (5). 3 of the submissions do not count toward it. Last evaluated 2026-02-03.

Conditions:
Hereditary nonpolyposis colorectal neoplasms. Identifiers: MedGen C0009405, MeSH D003123.
MSH6-related disorder. Also called: MSH6-Related disorders; MSH6-related condition.
Breast and/or ovarian cancer. Identifiers: MedGen CN221562.
Hereditary cancer-predisposing syndrome. Also called: Tumor predisposition; Hereditary neoplastic syndrome; Neoplastic Syndromes, Hereditary; Hereditary Cancer Syndrome. Identifiers: Orphanet 140162, MedGen C0027672, MeSH D009386, MONDO:0015356.
Hereditary breast ovarian cancer syndrome. Also called: Hereditary breast and ovarian cancer; BRCA1- and BRCA2-Associated Hereditary Breast and Ovarian Cancer; Hereditary breast and/or ovarian cancer syndrome; Hereditary breast and ovarian cancer syndrome; Hereditary breast and ovarian cancer syndrome (HBOC); Breast and ovarian cancer. Identifiers: Orphanet 145, MedGen C0677776, MeSH D061325, MONDO:0003582. Disease mechanism: loss of function.
Lynch syndrome 5 (LYNCH5). Also called: Colorectal cancer, hereditary nonpolyposis, type 5; Hereditary non-polyposis colorectal cancer, type 5. Identifiers: Orphanet 144, MedGen C1833477, MONDO:0013710, OMIM 614350. Disease mechanism: loss of function.
Carcinoma of colon (CRC). Also called: Colonic carcinoma; Colon carcinoma. Identifiers: MedGen C0699790, MONDO:0002032.

Allele frequency attached by ClinVar (database versions not stated): gnomAD below 0.00001 and 0.00013; TOPMed 0.00003; gnomAD exomes 0.00037 and 0.00088; ExAC 0.00090; 1000 Genomes Project 0.00100; 1000 Genomes Project 30x 0.00156.
gnomAD v4.1: 557 of 1,611,768 alleles (0.035%); highest among the groups gnomAD compares: South Asian, 0.58%; 3 homozygotes.

Submissions (17):

Labcorp Genetics (formerly Invitae), Labcorp
Classification: Benign for Hereditary nonpolyposis colorectal neoplasms. Last evaluated: 2026-02-03. Review status: criteria provided, single submitter. Criteria: Invitae Variant Classification Sherloc (09022015). Collection method: clinical testing. Allele origin: germline.

Dasa
Classification: Benign. Last evaluated: 2025-11-27. Review status: criteria provided, single submitter. Criteria: DASA Assertion Criteria. Collection method: clinical testing. Allele origin: germline.
Comment: NM_000179.3(MSH6):c.3151G>A (p.Val1051Ile) is interpreted as benign based on a combination of available evidence, which may include population frequency, observations in unaffected individuals, intact protein function, lack of segregation with disease, in silico models, amino acid conservation, lack of disease association in case-control studies, and/or inconsistency with the known disease mechanism or impacted region. Based on the available data, this variant is classified as benign.

Center for Genomic Medicine, Rigshospitalet, Copenhagen University Hospital
Classification: Benign. Last evaluated: 2025-03-04. Review status: criteria provided, single submitter. Criteria: ACMG Guidelines, 2015. Collection method: clinical testing. Allele origin: germline.

Institute for Biomarker Research, Medical Diagnostic Laboratories, L.L.C.
Classification: Benign for Hereditary cancer-predisposing syndrome. Last evaluated: 2025-01-27. Review status: criteria provided, single submitter. Criteria: ACMG Guidelines, 2015. Collection method: clinical testing. Allele origin: germline.
Comment: The missense variant NM_000179.3(MSH6):c.3151G>A (p.Val1051Ile) has not been reported previously as a pathogenic variant nor as a benign variant, to our knowledge. The variant is observed in one or more well-documented healthy adults. There is a small physicochemical difference between valine and isoleucine, which is not likely to impact secondary protein structure as these residues share similar properties. The nucleotide c.3151 in MSH6 is predicted conserved by GERP++ and PhyloP across 100 vertebrates. For these reasons, this variant has been classified as Benign.

Myriad Genetics, Inc.
Classification: Benign for Lynch syndrome 5. Last evaluated: 2025-01-03. Review status: criteria provided, single submitter. Criteria: Myriad Autosomal Dominant, Autosomal Recessive and X-Linked Classification Criteria (2023). Collection method: clinical testing. Allele origin: unknown.
Comment: This variant is considered benign. This variant has been observed at a population frequency that is significantly greater than expected given the associated disease prevalence and penetrance. This variant is strongly associated with less severe personal and family histories of cancer, typical for individuals without pathogenic variants in this gene [PMID: 27363726].

Blueprint Genetics
Classification: Likely benign. Last evaluated: 2024-10-24. Review status: criteria provided, single submitter. Criteria: ACMG Guidelines, 2015. Collection method: clinical testing. Allele origin: germline.

Color Diagnostics, LLC DBA Color Health
Classification: Benign for Hereditary cancer-predisposing syndrome. Last evaluated: 2024-10-09. Review status: criteria provided, single submitter. Criteria: ACMG Guidelines, 2015. Collection method: clinical testing. Allele origin: germline.

CHEO Genetics Diagnostic Laboratory, Children's Hospital of Eastern Ontario
Classification: Likely benign for Breast and/or ovarian cancer. Last evaluated: 2022-07-19. Review status: criteria provided, single submitter. Criteria: ACMG Guidelines, 2015. Collection method: clinical testing. Allele origin: germline.

Sema4
Classification: Likely benign for Hereditary cancer-predisposing syndrome. Last evaluated: 2021-10-24. Review status: criteria provided, single submitter. Criteria: Sema4 Curation Guidelines. Collection method: curation. Allele origin: germline.

Ambry Genetics
Classification: Benign for Hereditary cancer-predisposing syndrome. Last evaluated: 2021-06-03. Review status: criteria provided, single submitter. Criteria: Ambry Variant Classification Scheme 2023. Collection method: clinical testing. Allele origin: germline.

GeneDx
Classification: Likely benign. Last evaluated: 2021-04-21. Review status: criteria provided, single submitter. Criteria: GeneDx Variant Classification Process June 2021. Collection method: clinical testing. Allele origin: germline. Affected: yes.
Comment: This variant is associated with the following publications: (PMID: 23047549, 28873162, 31386297, 31660093)

Mendelics
Classification: Likely benign for Lynch syndrome 5. Last evaluated: 2019-05-28. Review status: criteria provided, single submitter. Criteria: Mendelics Assertion Criteria 2017. Collection method: clinical testing. Allele origin: unknown.

Cancer Genomics Group, Japanese Foundation For Cancer Research
Classification: Uncertain significance for Hereditary breast and ovarian cancer syndrome. Last evaluated: 2019-05-01. Review status: criteria provided, single submitter. Criteria: ACMG Guidelines, 2015. Collection method: research. Allele origin: germline. Affected: yes.

Women's Health and Genetics/Laboratory Corporation of America, LabCorp
Classification: Benign. Last evaluated: 2016-04-29. Review status: criteria provided, single submitter. Criteria: LabCorp Variant Classification Summary - May 2015. Collection method: clinical testing. Allele origin: germline.
Comment: Variant summary: The variant of interest causes a missense change involving a conserved nucleotide with 4/5 in silico programs predicting a "benign" outcome, although these predictions have yet to be functionally assessed. The variant of interest was observed in the large, broad control population, ExAC, with an allele frequency of 107/119266 (1/1114), predominantly in the South Asian cohort, 106/16430 (1/154), which exceeds the predicted maximum expected allele frequency for a pathogenic MSH6 variant of 1/7037. Therefore, suggesting that the variant of interest is a common polymorphism found in population(s) of South Asian origin. The variant of interest was observed in affected individuals via a publication, although with limited information (ie lack of co-occurrence/co-segregation data). Multiple reputable clinical laboratories cite the variant with a classification of "uncertain significance," however, it should be noted that these classifications were evaluated previous to ExAC data being available. Therefore, taking all available lines of evidence into consideration, the variant of interest is classified as Benign.

PreventionGenetics, part of Exact Sciences
Classification: Likely benign for MSH6-related condition. Last evaluated: 2020-07-29. Review status: no assertion criteria provided. Collection method: clinical testing. Allele origin: germline. Not counted in ClinVar's aggregate classification.
Comment: This variant is classified as likely benign based on ACMG/AMP sequence variant interpretation guidelines (Richards et al. 2015 PMID: 25741868, with internal and published modifications).

Counsyl
Classification: Uncertain significance for Lynch syndrome 5. Last evaluated: 2015-12-11. Review status: no assertion criteria provided. Collection method: clinical testing. Allele origin: unknown. Not counted in ClinVar's aggregate classification.

Department of Pathology and Laboratory Medicine, Sinai Health System
Classification: Benign for Carcinoma of colon. Review status: no assertion criteria provided. Collection method: clinical testing. Allele origin: unknown. Affected: yes. Study: The Canadian Open Genetics Repository (COGR). Not counted in ClinVar's aggregate classification.
Comment: The MSH6 p.Val1051Ile variant was identified in 2 of 3786 proband chromosomes (frequency: 0.0005) from individuals or families with epithelial ovarian cancer (Pal 2012). The variant was also identified in dbSNP (ID: rs576269342) as "With Uncertain significance allele", ClinVar (classified as benign by Invitae and Integrated Genetics/Laboratory Corporation of America; as likely benign by GeneDx; and as uncertain significance by three submitters), and Cosmic database (2x in upper aerodigestive tract tissue). The variant was not identified in COGR, MutDB, UMD-LSDB, Zhejiang University Database, Mismatch Repair Genes Variant Database, or Insight Hereditary Tumors Database. The variant was identified in control databases in 218 of 247410 chromosomes (1 homozygous) at a frequency of 0.0009 increasing the likelihood this could be a low frequency benign variant (Genome Aggregation Database Feb 27, 2017). The variant was observed in the following populations: South Asian in 215 of 30590 chromosomes (freq: 0.007) and Other in 3 of 6076 chromosomes (freq: 0.0005); it was not observed in the Ashkenazi Jewish, African, East Asian, Finnish, European, or Latino populations. The p.Val1051 residue is conserved in mammals but not in more distantly related organisms and four out of five computational analyses (PolyPhen-2, SIFT, AlignGVGD, BLOSUM, MutationTaster) do not suggest a high likelihood of impact to the protein; this information is not predictive enough to rule out pathogenicity. The variant occurs outside of the splicing consensus sequence and in silico or computational prediction software programs (SpliceSiteFinder, MaxEntScan, NNSPLICE, GeneSplicer) do not predict a difference in splicing. In summary, based on the above information, this variant meets our laboratory's criteria to be classified as benign.

Literature cited by the submitters: PubMed 27363726 (cited by Myriad Genetics, Inc.); PubMed 31386297 (cited by Sema4 and Ambry Genetics); PubMed 32547938 (cited by Sema4 and Ambry Genetics); PubMed 23047549 (cited by 4 submitters); PubMed 33471991 (cited by Sema4); PubMed 31660093 (cited by Ambry Genetics).